The following is an entry in ClinVar:

ClinVar aggregate classification (germline): Uncertain significance. Review status: criteria provided, multiple submitters, no conflicts (2 of 4 stars). 4 submissions from 4 submitters: Uncertain significance (3). 1 of the submissions does not count toward it. Last evaluated 2023-12-26.

Conditions:
CEP290-related disorder. Also called: CEP290-related condition; CEP290-related disorders. Identifiers: MedGen CN239314.
Joubert syndrome. Also called: Familial aplasia of the vermis; CEREBELLOPARENCHYMAL DISORDER IV; JOUBERT-BOLTSHAUSER SYNDROME. Identifiers: Orphanet 475, MedGen C5979921, MONDO:0018772.
Meckel-Gruber syndrome. Also called: Dysencephalia splachnocystica; DYSENCEPHALIA SPLANCHNOCYSTICA; GRUBER SYNDROME. Identifiers: Orphanet 564, MedGen C0265215, MONDO:0018921.
Nephronophthisis. Also called: Juvenile Nephronophthisis. Identifiers: Orphanet 655, MedGen C0687120, MONDO:0019005, HP:0000090.
Joubert syndrome 5 (JBTS5). Identifiers: Orphanet 2318, MedGen C1857780, MONDO:0012432, OMIM 610188.
Leber congenital amaurosis 10 (LCA10). Identifiers: Orphanet 65, MedGen C1857821, MONDO:0012723, OMIM 611755.
Meckel syndrome, type 4 (MKS4). Also called: MECKEL-GRUBER SYNDROME, TYPE 4. Identifiers: Orphanet 564, MedGen C1970161, MONDO:0012626, OMIM 611134.
Bardet-Biedl syndrome 14 (BBS14). Identifiers: Orphanet 110, MedGen C2673874, MONDO:0014442, OMIM 615991.
Senior-Loken syndrome 6 (SLSN6). Identifiers: Orphanet 3156, MedGen C1857779, MONDO:0012433, OMIM 610189.

Allele frequency attached by ClinVar (database versions not stated): gnomAD exomes below 0.00001; ExAC 0.00001; TOPMed 0.00002; gnomAD 0.00003.

Submissions (4):

Fulgent Genetics
Classification: Uncertain significance for Joubert syndrome 5; Senior-Loken syndrome 6; Meckel syndrome, type 4; Leber congenital amaurosis 10; Bardet-Biedl syndrome 14. Last evaluated: 2023-12-26. Review status: criteria provided, single submitter. Criteria: ACMG Guidelines, 2015. Collection method: clinical testing. Allele origin: germline.

Labcorp Genetics (formerly Invitae), Labcorp
Classification: Uncertain significance for Joubert syndrome; Meckel-Gruber syndrome; Nephronophthisis. Last evaluated: 2022-10-17. Review status: criteria provided, single submitter. Criteria: Invitae Variant Classification Sherloc (09022015). Collection method: clinical testing. Allele origin: germline.
Comment: This variant is present in population databases (rs758864226, gnomAD 0.008%). This sequence change replaces alanine, which is neutral and non-polar, with glycine, which is neutral and non-polar, at codon 2251 of the CEP290 protein (p.Ala2251Gly). In summary, the available evidence is currently insufficient to determine the role of this variant in disease. Therefore, it has been classified as a Variant of Uncertain Significance. Advanced modeling of protein sequence and biophysical properties (such as structural, functional, and spatial information, amino acid conservation, physicochemical variation, residue mobility, and thermodynamic stability) has been performed at Invitae for this missense variant, however the output from this modeling did not meet the statistical confidence thresholds required to predict the impact of this variant on CEP290 protein function. ClinVar contains an entry for this variant (Variation ID: 1032906). This variant has not been reported in the literature in individuals affected with CEP290-related conditions.

Baylor Genetics
Classification: Uncertain significance for Joubert syndrome 5. Last evaluated: 2018-08-08. Review status: criteria provided, single submitter. Criteria: ACMG Guidelines, 2015. Collection method: clinical testing. Allele origin: paternal. Affected: yes.
Comment: This variant was determined to be of uncertain significance according to ACMG Guidelines, 2015 [PMID:25741868].

PreventionGenetics, part of Exact Sciences
Classification: Uncertain significance for CEP290-related condition. Last evaluated: 2024-05-30. Review status: no assertion criteria provided. Collection method: clinical testing. Allele origin: germline. Not counted in ClinVar's aggregate classification.
Comment: The CEP290 c.6752C>G variant is predicted to result in the amino acid substitution p.Ala2251Gly. To our knowledge, this variant has not been reported in the literature. This variant is reported in 0.012% of alleles in individuals of African descent in gnomAD. At this time, the clinical significance of this variant is uncertain due to the absence of conclusive functional and genetic evidence.

NM_025114.4(CEP290):c.6752C>G (p.Ala2251Gly)

Gene: CEP290 (centrosomal protein 290; minus strand). Cytogenetic location: 12q21.32.
Variant type: single nucleotide variant.
Coding change: c.6752C>G on transcript NM_025114.4 (MANE Select); coding-DNA position 6752, C replaced by G.
Protein change: p.Ala2251Gly; replaces alanine 2251 with glycine.
Molecular consequence: missense variant.
Genome position (GRCh38, 1-based): chr12:88,058,914, G>C on the plus strand (C>G on the coding strand, the complement: CEP290 is on the minus strand). VCF-style: chr12-88058914-G-C. GRCh37 (hg19) VCF-style: chr12-88452691-G-C.
Other names: short protein forms A2251G.
Identifiers: ClinVar variation 1032906 (VCV001032906.7), dbSNP rs758864226, ClinGen allele CA6711438.
Genomic context (GRCh38, chr12:88,058,914, plus strand): 5'-ACCACAATGGATTTCCAGCTCTTACTGTCAGCACCTTCAAGCTGTGGACCTCTGCTTTCT[G>C]CAAACTGCAATCTCTTACCAGTCTCTTCTAGTTGAACTGTCATCTTCTCATTTAATATCT-3'
Protein context (NP_079390.3, residues 2241-2261): LEETGKRLQF[Ala2251Gly]ESRGPQLEGA